The following is an entry in ClinVar:

NM_005529.7(HSPG2):c.1988A>C (p.Gln663Pro)

Gene: HSPG2 (heparan sulfate proteoglycan 2; minus strand). Cytogenetic location: 1p36.12.
Variant type: single nucleotide variant.
Coding change: c.1988A>C on transcript NM_005529.7 (MANE Select); coding-DNA position 1988, A replaced by C.
Protein change: p.Gln663Pro; replaces glutamine 663 with proline.
Molecular consequence: missense variant.
Genome position (GRCh38, 1-based): chr1:21,880,666, T>G on the plus strand (A>C on the coding strand, the complement: HSPG2 is on the minus strand). VCF-style: chr1-21880666-T-G. GRCh37 (hg19) VCF-style: chr1-22207159-T-G.
Other names: c.1991A>C, p.Gln664Pro (NM_001291860.2); short protein forms Q663P, Q664P.
Identifiers: ClinVar variation 993888 (VCV000993888.8), dbSNP rs1330866141, ClinGen allele CA338965849.
Genomic context (GRCh38, chr1:21,880,666, plus strand): 5'-AGCCTAAATCCCCCTTTGCTCCCAGCCCTAAGGGCTCAGGCGCCACCCACCTCAGAGAAC[T>G]GGACCTGGCGCTGGTTCAGAGCACCAGGTTGGGTGGGTGTGTGGCCTCGGGAGAGGAGGC-3'
Protein context (NP_005520.4, residues 653-673): QPGALNQRQV[Gln663Pro]FSEEHWVHES

ClinVar aggregate classification (germline): Uncertain significance (1 of 4 stars; one submission).

Allele frequency attached by ClinVar (database versions not stated): gnomAD 0.00001; TOPMed 0.00001.
gnomAD v4.1: 1 of 1,594,096 alleles (0.000063%); highest among the groups gnomAD compares: African/African-American, 0.0013%; no homozygotes.

Submission:

ARUP Laboratories, Molecular Genetics and Genomics, ARUP Laboratories
Classification: Uncertain significance. Last evaluated: 2020-01-16. Review status: criteria provided, single submitter. Criteria: ARUP Molecular Germline Variant Investigation Process. Collection method: clinical testing. Allele origin: germline.
Comment: The HSPG2 c.1988A>C; p.Gln663Pro variant (rs1330866141), to our knowledge, is not reported in the medical literature or gene specific databases. This variant is also absent from general population databases (Exome Variant Server, Genome Aggregation Database), indicating it is not a common polymorphism. The glutamine at codon 663 is weakly conserved, and computational analyses (SIFT: tolerated, PolyPhen-2: probably damaging) predict conflicting effects of this variant on protein structure/function. Due to limited information, the clinical significance of the p.Gln663Pro variant is uncertain at this time.